The following is an entry in ClinVar:

ClinVar aggregate classification (germline): Uncertain significance (1 of 4 stars; one submission).

Conditions:
TH-deficient dopa-responsive dystonia. Also called: Tyrosine Hydroxylase-Deficient Dopa-Responsive Dystonia; Segawa syndrome, autosomal recessive; DYT-TH. Identifiers: Orphanet 101150, MedGen C2673535, MONDO:0011551, OMIM 605407.

Submission:

Labcorp Genetics (formerly Invitae), Labcorp
Classification: Uncertain significance for TH-deficient dopa-responsive dystonia. Last evaluated: 2021-05-13. Review status: criteria provided, single submitter. Criteria: Invitae Variant Classification Sherloc (09022015). Collection method: clinical testing. Allele origin: germline.
Comment: This sequence change replaces valine with glycine at codon 306 of the TH protein (p.Val306Gly). The valine residue is highly conserved and there is a moderate physicochemical difference between valine and glycine. In summary, the available evidence is currently insufficient to determine the role of this variant in disease. Therefore, it has been classified as a Variant of Uncertain Significance. Advanced modeling of protein sequence and biophysical properties (such as structural, functional, and spatial information, amino acid conservation, physicochemical variation, residue mobility, and thermodynamic stability) performed at Invitae indicates that this missense variant is expected to disrupt TH protein function. This variant has been observed in individual(s) with clinical features of dystonia (Invitae). This variant is not present in population databases (ExAC no frequency).

NM_000360.4(TH):c.824T>G (p.Val275Gly)

Gene: TH (tyrosine hydroxylase; minus strand). Cytogenetic location: 11p15.5.
Variant type: single nucleotide variant.
Coding change: c.824T>G on transcript NM_000360.4 (MANE Select); coding-DNA position 824, T replaced by G.
Protein change: p.Val275Gly; replaces valine 275 with glycine.
Molecular consequence: missense variant.
Genome position (GRCh38, 1-based): chr11:2,166,904, A>C on the plus strand (T>G on the coding strand, the complement: TH is on the minus strand). VCF-style: chr11-2166904-A-C. GRCh37 (hg19) VCF-style: chr11-2188134-A-C.
Other names: c.917T>G, p.Val306Gly (NM_199292.3); c.905T>G, p.Val302Gly (NM_199293.3); short protein forms V306G, V275G, V302G.
Identifiers: ClinVar variation 1357568 (VCV001357568.8), dbSNP rs2133693418, ClinGen allele CA379126547.